The following is an entry in ClinVar:

NM_032119.4(ADGRV1):c.12287C>T (p.Thr4096Ile)

Gene: ADGRV1 (adhesion G protein-coupled receptor V1; plus strand). Cytogenetic location: 5q14.3.
Variant type: single nucleotide variant.
Coding change: c.12287C>T on transcript NM_032119.4 (MANE Select); coding-DNA position 12287, C replaced by T.
Protein change: p.Thr4096Ile; replaces threonine 4096 with isoleucine.
Molecular consequence: missense variant. On other transcripts: non-coding transcript variant (1).
Genome position (GRCh38, 1-based): chr5:90,774,187, C>T. VCF-style: chr5-90774187-C-T. GRCh37 (hg19) VCF-style: chr5-90070004-C-T.
Other names: short protein forms T4096I.
Identifiers: ClinVar variation 4755595 (VCV004755595.1).

ClinVar aggregate classification (germline): Uncertain significance (1 of 4 stars; one submission).

gnomAD v4.1: 2 of 1,581,304 alleles (0.00013%); highest among the groups gnomAD compares: African/African-American, 0.0027%; no homozygotes.

Submission:

GeneDx
Classification: Uncertain significance. Last evaluated: 2025-08-06. Review status: criteria provided, single submitter. Criteria: GeneDx Variant Classification Process June 2021. Collection method: clinical testing. Allele origin: germline. Affected: yes.
Comment: Not observed at significant frequency in large population cohorts (gnomAD); In silico analysis suggests that this missense variant does not alter protein structure/function; Has not been previously published as pathogenic or benign to our knowledge